The following is an entry in ClinVar:

ClinVar aggregate classification (germline): Likely benign. Review status: criteria provided, multiple submitters, no conflicts (2 of 4 stars). 2 submissions from 2 submitters: Likely benign (2). Last evaluated 2025-08-01.

Submissions (2):

CeGaT Center for Human Genetics Tuebingen
Classification: Likely benign. Last evaluated: 2025-08-01. Review status: criteria provided, single submitter. Criteria: CeGaT Center For Human Genetics Tuebingen Variant Classification Criteria Version 2. Collection method: clinical testing. Allele origin: germline. Affected: yes. Observed: 2 variant alleles.
Comment: TUBGCP4: BP4, BP7

Labcorp Genetics (formerly Invitae), Labcorp
Classification: Likely benign. Last evaluated: 2024-03-01. Review status: criteria provided, single submitter. Criteria: Invitae Variant Classification Sherloc (09022015). Collection method: clinical testing. Allele origin: germline.

NM_014444.5(TUBGCP4):c.699A>G (p.Lys233=)

Gene: TUBGCP4 (tubulin gamma complex component 4; plus strand). Cytogenetic location: 15q15.3.
Variant type: single nucleotide variant.
Coding change: c.699A>G on transcript NM_014444.5 (MANE Select); coding-DNA position 699, A replaced by G.
Protein change: p.Lys233=; no amino-acid change (lysine 233 retained).
Molecular consequence: synonymous variant.
Genome position (GRCh38, 1-based): chr15:43,383,480, A>G. VCF-style: chr15-43383480-A-G. GRCh37 (hg19) VCF-style: chr15-43675678-A-G.
Other names: c.699A>G, p.Lys233= (NM_001286414.3).
Identifiers: ClinVar variation 3620190 (VCV003620190.12).